The following is an entry in ClinVar:

NM_007294.4(BRCA1):c.3635C>A (p.Ser1212Ter)

Genes: BRCA1 (BRCA1 DNA repair associated; minus strand), LOC126862571 (BRD4-independent group 4 enhancer GRCh37_chr17:41243136-41244335; plus strand). Cytogenetic location: 17q21.31.
Variant type: single nucleotide variant.
Coding change: c.3635C>A on transcript NM_007294.4 (MANE Select); coding-DNA position 3635, C replaced by A.
Protein change: p.Ser1212Ter; replaces serine 1212 with a stop codon.
Molecular consequence: nonsense. On other transcripts: intron variant (135).
Genome position (GRCh38, 1-based): chr17:43,091,896, G>T on the plus strand (C>A on the coding strand, the complement: BRCA1 is on the minus strand). VCF-style: chr17-43091896-G-T. GRCh37 (hg19) VCF-style: chr17-41243913-G-T.
Other names: c.3422C>A, p.Ser1141Ter (NM_001407571.1, NM_001407853.1, NM_001407894.1 and 9 more transcripts); c.3635C>A, p.Ser1212Ter (NM_001407581.1, NM_001407582.1, NM_001407583.1 and 30 more transcripts); c.3632C>A, p.Ser1211Ter (NM_001407587.1, NM_001407590.1, NM_001407591.1 and 22 more transcripts); c.3626C>A, p.Ser1209Ter (NM_001407646.1, NM_001407647.1); c.3512C>A, p.Ser1171Ter (NM_001407648.1, NM_001407664.1, NM_001407665.1 and 19 more transcripts); c.3509C>A, p.Ser1170Ter (NM_001407649.1, NM_001407670.1, NM_001407671.1 and 11 more transcripts); c.3557C>A, p.Ser1186Ter (NM_001407653.1, NM_001407654.1, NM_001407655.1 and 4 more transcripts); c.3554C>A, p.Ser1185Ter (NM_001407659.1, NM_001407660.1, NM_001407661.1 and 1 more transcripts); and 41 more; short protein forms S1165*, S1212*, S1084*, S1085*, S1145*, S1170*, S1171*, S1186*.
Identifiers: ClinVar variation 4689213 (VCV004689213.1).

ClinVar aggregate classification (germline): Pathogenic (1 of 4 stars; one submission).

Conditions:
Hereditary breast ovarian cancer syndrome. Also called: Hereditary breast and ovarian cancer syndrome (HBOC); Breast and ovarian cancer; Hereditary breast and ovarian cancer; Hereditary breast and ovarian cancer syndrome; BRCA1- and BRCA2-Associated Hereditary Breast and Ovarian Cancer; Hereditary breast and/or ovarian cancer syndrome. Identifiers: Orphanet 145, MedGen C0677776, MeSH D061325, MONDO:0003582. Disease mechanism: loss of function.

Submission:

Women's Health and Genetics/Laboratory Corporation of America, LabCorp
Classification: Pathogenic for Hereditary breast ovarian cancer syndrome. Last evaluated: 2026-01-20. Review status: criteria provided, single submitter. Criteria: LabCorp Variant Classification Summary - May 2015. Collection method: clinical testing. Allele origin: germline.
Comment: Variant summary: BRCA1 c.3635C>A (p.Ser1212X) results in a premature termination codon, predicted to cause a truncation of the encoded protein or absence of the protein due to nonsense mediated decay, which are commonly known mechanisms for disease. The variant was absent in 251296 control chromosomes. c.3635C>A has been observed in individual(s) affected with Hereditary Breast And Ovarian Cancer Syndrome (example: Churpek_2015). The following publication has been ascertained in the context of this evaluation (PMID: 25428789). No submitters have cited clinical-significance assessments for this variant to ClinVar. Based on the evidence outlined above, the variant was classified as pathogenic.

Literature cited by the submitters: PubMed 25428789.